The following is an entry in ClinVar:

NM_001012339.3(DNAJC21):c.-7T>G

Gene: DNAJC21 (DnaJ heat shock protein family (Hsp40) member C21; plus strand). Cytogenetic location: 5p13.2.
Variant type: single nucleotide variant.
Coding change: c.-7T>G on transcript NM_001012339.3 (MANE Select); 7 bases upstream of the start codon, T replaced by G.
Molecular consequence: 5 prime UTR variant.
Genome position (GRCh38, 1-based): chr5:34,929,813, T>G. VCF-style: chr5-34929813-T-G. GRCh37 (hg19) VCF-style: chr5-34929918-T-G.
Other names: c.-7T>G (NM_001348420.2, NM_194283.4).
Identifiers: ClinVar variation 3037808 (VCV003037808.3), dbSNP rs1764517378, ClinGen allele CA1074973538.

ClinVar aggregate classification (germline): Uncertain significance. Review status: criteria provided, single submitter (1 of 4 stars). 2 submissions from 2 submitters: Uncertain significance (1). 1 of the submissions does not count toward it. Last evaluated 2026-05-11.

Conditions:
DNAJC21-related disorder. Also called: DNAJC21-related condition.

Submissions (2):

Women's Health and Genetics/Laboratory Corporation of America, LabCorp
Classification: Uncertain significance. Last evaluated: 2026-05-11. Review status: criteria provided, single submitter. Criteria: LabCorp Variant Classification Summary - May 2015. Collection method: clinical testing. Allele origin: germline.

PreventionGenetics, part of Exact Sciences
Classification: Likely benign for DNAJC21-related condition. Last evaluated: 2023-06-13. Review status: no assertion criteria provided. Collection method: clinical testing. Allele origin: germline. Not counted in ClinVar's aggregate classification.
Comment: This variant is classified as likely benign based on ACMG/AMP sequence variant interpretation guidelines (Richards et al. 2015 PMID: 25741868, with internal and published modifications).